The following is an entry in ClinVar:

ClinVar aggregate classification (germline): Uncertain significance (0 of 4 stars; one submission).

Conditions:
UBE4A-related disorder. Also called: UBE4A-related condition.

Allele frequency attached by ClinVar (database versions not stated): gnomAD exomes 0.00001; ExAC 0.00003; ESP Exome Variant Server 0.00008; gnomAD 0.00008; TOPMed 0.00010; 1000 Genomes Project 0.00040; 1000 Genomes Project 30x 0.00047.

Submission:

PreventionGenetics, part of Exact Sciences
Classification: Uncertain significance for UBE4A-related condition. Last evaluated: 2023-12-15. Review status: no assertion criteria provided. Collection method: clinical testing. Allele origin: germline.
Comment: The UBE4A c.714G>C variant is predicted to result in the amino acid substitution p.Gln238His. To our knowledge, this variant has not been reported in the literature. This variant is reported in 0.020% of alleles in individuals of African descent in gnomAD. At this time, the clinical significance of this variant is uncertain due to the absence of conclusive functional and genetic evidence.

NM_001204077.2(UBE4A):c.714G>C (p.Gln238His)

Gene: UBE4A (ubiquitination factor E4A; plus strand). Cytogenetic location: 11q23.3.
Variant type: single nucleotide variant.
Coding change: c.714G>C on transcript NM_001204077.2 (MANE Select); coding-DNA position 714, G replaced by C.
Protein change: p.Gln238His; replaces glutamine 238 with histidine.
Molecular consequence: missense variant.
Genome position (GRCh38, 1-based): chr11:118,372,659, G>C. VCF-style: chr11-118372659-G-C. GRCh37 (hg19) VCF-style: chr11-118243374-G-C.
Other names: c.714G>C, p.Gln238His (NM_004788.4); short protein forms Q238H.
Identifiers: ClinVar variation 3060556 (VCV003060556.2), dbSNP rs376040016, ClinGen allele CA6302417.